The following is an entry in ClinVar:

ClinVar aggregate classification (germline): Pathogenic (1 of 4 stars; one submission).

Conditions:
Neuronal ceroid lipofuscinosis. Also called: Neuronal Ceroid Lipofuscinoses. Identifiers: Orphanet 216, Orphanet 79263, MedGen C0027877, MONDO:0016295. Disease mechanism: loss of function.

Submission:

Labcorp Genetics (formerly Invitae), Labcorp
Classification: Pathogenic for Neuronal ceroid lipofuscinosis. Last evaluated: 2023-05-19. Review status: criteria provided, single submitter. Criteria: Invitae Variant Classification Sherloc (09022015). Collection method: clinical testing. Allele origin: germline.
Comment: For these reasons, this variant has been classified as Pathogenic. This variant disrupts a region of the CLN6 protein in which other variant(s) (p.Pro299Leu) have been determined to be pathogenic (PMID: 19135028). This suggests that this is a clinically significant region of the protein, and that variants that disrupt it are likely to be disease-causing. Algorithms developed to predict the effect of sequence changes on RNA splicing suggest that this variant may disrupt the consensus splice site. This variant has not been reported in the literature in individuals affected with CLN6-related conditions. This variant is not present in population databases (gnomAD no frequency). This sequence change creates a premature translational stop signal (p.Tyr220Valfs*61) in the CLN6 gene. While this is not anticipated to result in nonsense mediated decay, it is expected to disrupt the last 92 amino acid(s) of the CLN6 protein.

Literature cited by the submitters: PubMed 19135028.

NM_017882.3(CLN6):c.658_665del (p.Tyr220fs)

Gene: CLN6 (CLN6 transmembrane ER protein; minus strand). Cytogenetic location: 15q23.
Variant type: Deletion.
Coding change: c.658_665del on transcript NM_017882.3 (MANE Select); coding-DNA positions 658 to 665, 8 bases deleted (TACTACTG; older notation c.658_665delTACTACTG).
Protein change: p.Tyr220fs; shifts the reading frame from tyrosine 220.
Molecular consequence: frameshift variant.
Genome position (GRCh38, 1-based): chr15:68,209,637-68,209,644, CAGTAGTA deleted on the plus strand (TACTACTG on the coding strand, the reverse complement: CLN6 is on the minus strand); deleting any 8 consecutive bases within chr15:68,209,637-68,209,647 gives the same sequence; the c. name uses the placement nearest the transcript's 3' end. VCF-style (leftmost placement, unchanged base first): chr15-68209636-CCAGTAGTA-C. GRCh37 (hg19) VCF-style: chr15-68501974-CCAGTAGTA-C.
Other names: c.754_761del, p.Tyr252fs (NM_001411068.1); short protein forms Y252fs, Y220fs.
Identifiers: ClinVar variation 2865552 (VCV002865552.3), dbSNP rs2505404103, ClinGen allele CA2739269547.